The following is an entry in ClinVar:

ClinVar aggregate classification (germline): Likely benign (1 of 4 stars; one submission).

gnomAD v4.1: 4 of 1,594,564 alleles (0.00025%); highest among the groups gnomAD compares: Non-Finnish European, 0.00034%; no homozygotes.

Submission:

Mayo Clinic Laboratories, Mayo Clinic
Classification: Likely benign. Last evaluated: 2025-09-10. Review status: criteria provided, single submitter. Criteria: ACMG Guidelines, 2015. Collection method: clinical testing. Allele origin: germline. Observed: 1 variant allele.
Comment: BP4, BP7

NM_153816.6(SNX14):c.204A>T (p.Ser68=)

Gene: SNX14 (sorting nexin 14; minus strand). Cytogenetic location: 6q14.3.
Variant type: single nucleotide variant.
Coding change: c.204A>T on transcript NM_153816.6 (MANE Select); coding-DNA position 204, A replaced by T.
Protein change: p.Ser68=; no amino-acid change (serine 68 retained).
Molecular consequence: synonymous variant. On other transcripts: 5 prime UTR variant (9), non-coding transcript variant (6).
Genome position (GRCh38, 1-based): chr6:85,574,315, T>A on the plus strand (A>T on the coding strand, the complement: SNX14 is on the minus strand). VCF-style: chr6-85574315-T-A. GRCh37 (hg19) VCF-style: chr6-86284033-T-A.
Other names: p.Ser68=; c.204A>T, p.Ser68= (NM_001297614.3, NM_001350533.2, NM_001350534.2 and 7 more transcripts); c.48A>T, p.Ser16= (NM_001304479.2, NM_001350539.2, NM_001350542.2 and 2 more transcripts); c.267A>T, p.Ser89= (NM_001350532.2); c.-197A>T (NM_001350545.2, NM_001350546.2); c.-762A>T (NM_001350547.2); c.-816A>T (NM_001350548.2); c.-948A>T (NM_001350549.2, NM_001350550.2, NM_001350553.2); and 2 more.
Identifiers: ClinVar variation 4683214 (VCV004683214.1).